The following is an entry in ClinVar:

ClinVar aggregate classification (germline): Likely pathogenic (1 of 4 stars; one submission).

Conditions:
Glycogen storage disease type III (GSD3). Also called: FORBES DISEASE; Cori disease. Identifiers: Orphanet 366, MedGen C0017922, MONDO:0009291, OMIM 232400.

Submission:

Myriad Genetics, Inc.
Classification: Likely pathogenic for Glycogen storage disease type III. Last evaluated: 2022-03-14. Review status: criteria provided, single submitter. Criteria: Myriad Women's Health Autosomal Recessive and X-Linked Classification Criteria (2021). Collection method: clinical testing. Allele origin: unknown.
Comment: NM_000642.2(AGL):c.1494delA(K498Nfs*12) is expected to be pathogenic in the context of glycogen storage disease type III. This variant is predicted to lead to an abnormal or absent protein product due to the creation of a premature termination codon in AGL, a gene where loss-of-function variants are known to be pathogenic. Please note: this variant was assessed in the context of healthy population screening.

NM_000642.3(AGL):c.1494del (p.Lys498fs)

Gene: AGL (amylo-alpha-1,6-glucosidase and 4-alpha-glucanotransferase; plus strand). Cytogenetic location: 1p21.2.
Variant type: Deletion.
Coding change: c.1494del on transcript NM_000642.3 (MANE Select); coding-DNA position 1494, one base deleted (A; older notation c.1494delA).
Protein change: p.Lys498fs; shifts the reading frame from lysine 498.
Molecular consequence: frameshift variant.
Genome position (GRCh38, 1-based): chr1:99,877,711, A deleted; the last of 3 consecutive A bases (chr1:99,877,709-99,877,711); deleting any one gives the same sequence. VCF-style (leftmost placement, unchanged base first): chr1-99877708-TA-T. GRCh37 (hg19) VCF-style: chr1-100343264-TA-T.
Other names: c.1494delA, p.Lys498Asnfs (NM_000028.3, NM_000643.3, NM_000644.3 and 2 more transcripts); c.1446delA, p.Lys482Asnfs (NM_000646.3); c.1293delA, p.Lys431Asnfs (NM_001425327.1); c.1290delA, p.Lys430Asnfs (NM_001425328.1, NM_001425329.1); c.1116delA, p.Lys372Asnfs (NM_001425332.1); short protein forms K482fs, K498fs.
Identifiers: ClinVar variation 1725199 (VCV001725199.2), dbSNP rs2524621142, ClinGen allele CA2580063363.